The following is an entry in ClinVar:

ClinVar aggregate classification (germline): Pathogenic/Likely pathogenic. Review status: criteria provided, multiple submitters, no conflicts (2 of 4 stars). 2 submissions from 2 submitters: Pathogenic (1); Likely pathogenic (1). Last evaluated 2025-12-01.

Conditions:
Cardiovascular phenotype. Identifiers: MedGen CN230736.
Telangiectasia, hereditary hemorrhagic, type 2 (HHT2). Also called: ACVRL1-Related Hereditary Hemorrhagic Telangiectasia; Telangiectasia, hereditary hemorrhagic, type II. Identifiers: Orphanet 774, MedGen C1838163, MONDO:0010880, OMIM 600376. Disease mechanism: loss of function.

Submissions (2):

Labcorp Genetics (formerly Invitae), Labcorp
Classification: Pathogenic for Telangiectasia, hereditary hemorrhagic, type 2. Last evaluated: 2025-12-01. Review status: criteria provided, single submitter. Criteria: Invitae Variant Classification Sherloc (09022015). Collection method: clinical testing. Allele origin: germline.
Comment: This sequence change replaces alanine, which is neutral and non-polar, with proline, which is neutral and non-polar, at codon 306 of the ACVRL1 protein (p.Ala306Pro). This variant is not present in population databases (gnomAD no frequency). This missense change has been observed in individuals with hereditary hemorrhagic telangiectasia (PMID: 15024723; internal data). ClinVar contains an entry for this variant (Variation ID: 841374). Invitae Evidence Modeling of protein sequence and biophysical properties (such as structural, functional, and spatial information, amino acid conservation, physicochemical variation, residue mobility, and thermodynamic stability) indicates that this missense variant is expected to disrupt ACVRL1 protein function with a positive predictive value of 95%. Experimental studies have shown that this missense change affects ACVRL1 function (PMID: 26176610). This variant disrupts the p.Ala306 amino acid residue in ACVRL1. Other variant(s) that disrupt this residue have been observed in individuals with ACVRL1-related conditions (PMID: 24001356; internal data), which suggests that this may be a clinically significant amino acid residue. For these reasons, this variant has been classified as Pathogenic.

Ambry Genetics
Classification: Likely pathogenic for Cardiovascular phenotype. Last evaluated: 2025-11-04. Review status: criteria provided, single submitter. Criteria: Ambry Variant Classification Scheme 2023. Collection method: clinical testing. Allele origin: germline.
Comment: The p.A306P variant (also known as c.916G>C), located in coding exon 6 of the ACVRL1 gene, results from a G to C substitution at nucleotide position 916. The alanine at codon 306 is replaced by proline, an amino acid with highly similar properties. This variant was reported in individual(s) with features consistent with hereditary hemorrhagic telangiectasia (Lesca G et al. Hum Mutat, 2004 Apr;23:289-99; Prigoda NL et al. J Med Genet, 2006 Sep;43:722-8; Alaa El Din F et al. PLoS One, 2015 Jul;10:e0132111; Ambry internal data). This amino acid position is not well conserved in available vertebrate species. In addition, this alteration is predicted to be deleterious by in silico analysis. This variant is considered to be rare based on population cohorts in the Genome Aggregation Database (gnomAD). Based on the majority of available evidence to date, this variant is likely to be pathogenic.

Literature cited by the submitters: PubMed 15024723 (cited by Labcorp Genetics (formerly Invitae), Labcorp and Ambry Genetics); PubMed 26176610 (cited by Labcorp Genetics (formerly Invitae), Labcorp and Ambry Genetics); PubMed 24001356 (cited by Labcorp Genetics (formerly Invitae), Labcorp); PubMed 16690726 (cited by Ambry Genetics); PubMed 34157307 (cited by Ambry Genetics); PubMed 38202257 (cited by Ambry Genetics).

NM_000020.3(ACVRL1):c.916G>C (p.Ala306Pro)

Gene: ACVRL1 (activin A receptor like type 1; plus strand). Cytogenetic location: 12q13.13.
Variant type: single nucleotide variant.
Coding change: c.916G>C on transcript NM_000020.3 (MANE Select); coding-DNA position 916, G replaced by C.
Protein change: p.Ala306Pro; replaces alanine 306 with proline.
Molecular consequence: missense variant.
Genome position (GRCh38, 1-based): chr12:51,915,368, G>C. VCF-style: chr12-51915368-G-C. GRCh37 (hg19) VCF-style: chr12-52309152-G-C.
Other names: c.916G>C, p.Ala306Pro (NM_001077401.2); short protein forms A306P.
Identifiers: ClinVar variation 841374 (VCV000841374.10), dbSNP rs1940807179, ClinGen allele CA384900960.
Genomic context (GRCh38, chr12:51,915,368, plus strand): 5'-TACGACTTTCTGCAGAGACAGACGCTGGAGCCCCATCTGGCTCTGAGGCTAGCTGTGTCC[G>C]CGGCATGCGGCCTGGCGCACCTGCACGTGGAGATCTTCGGTACACAGGGCAAACCAGCCA-3'
Protein context (NP_000011.2, residues 296-316): PHLALRLAVS[Ala306Pro]ACGLAHLHVE